The following is an entry in ClinVar:

ClinVar aggregate classification (germline): Uncertain significance (1 of 4 stars; one submission).

Conditions:
Ataxia. Identifiers: MedGen C0004134, HP:0001251.

Submission:

Clinical Genetics Laboratory, Skane University Hospital Lund
Classification: Uncertain significance for Ataxia. Last evaluated: 2026-04-20. Review status: criteria provided, single submitter. Criteria: ACMG Guidelines, 2015. Collection method: clinical testing. Allele origin: de novo. Affected: yes.
Comment: Confirmed de novo. Applied ACMG criteria: PS2_supporting, PM2, PP3.

NM_001367721.1(CASK):c.1502T>C (p.Met501Thr)

Gene: CASK (calcium/calmodulin dependent serine protein kinase; minus strand). Cytogenetic location: Xp11.4.
Variant type: single nucleotide variant.
Coding change: c.1502T>C on transcript NM_001367721.1 (MANE Select); coding-DNA position 1502, T replaced by C.
Protein change: p.Met501Thr; replaces methionine 501 with threonine.
Molecular consequence: missense variant.
Genome position (GRCh38, 1-based): chrX:41,578,341, A>G on the plus strand (T>C on the coding strand, the complement: CASK is on the minus strand). VCF-style: chrX-41578341-A-G. GRCh37 (hg19) VCF-style: chrX-41437594-A-G.
Other names: c.1502T>C, p.Met501Thr (NM_001126054.3, NM_003688.4); c.1484T>C, p.Met495Thr (NM_001126055.3, NM_001410745.1); short protein forms M495T, M501T.
Identifiers: ClinVar variation 4820294 (VCV004820294.1).